The following is an entry in ClinVar:

ClinVar aggregate classification (germline): Uncertain significance. Review status: criteria provided, multiple submitters, no conflicts (2 of 4 stars). 2 submissions from 2 submitters: Uncertain significance (2). Last evaluated 2025-11-26.

Conditions:
Neonatal-onset encephalopathy with rigidity and seizures. Also called: Lethal neonatal spasticity-epileptic encephalopathy syndrome. Identifiers: Orphanet 435845, MedGen C3281029, MONDO:0013784, OMIM 614498.
Inborn genetic diseases. Identifiers: MedGen C0950123, MeSH D030342.

Allele frequency attached by ClinVar (database versions not stated): gnomAD 0.00002 and 0.00003; TOPMed 0.00002; ExAC 0.00003; 1000 Genomes Project 30x 0.00016; 1000 Genomes Project 0.00020; ESP Exome Variant Server 0.00008; gnomAD exomes 0.00001.

Submissions (2):

Ambry Genetics
Classification: Uncertain significance for Inborn genetic diseases. Last evaluated: 2025-11-26. Review status: criteria provided, single submitter. Criteria: Ambry Variant Classification Scheme 2023. Collection method: clinical testing. Allele origin: germline.

Labcorp Genetics (formerly Invitae), Labcorp
Classification: Uncertain significance for Neonatal-onset encephalopathy with rigidity and seizures. Last evaluated: 2021-08-24. Review status: criteria provided, single submitter. Criteria: Invitae Variant Classification Sherloc (09022015). Collection method: clinical testing. Allele origin: germline.
Comment: This sequence change replaces alanine with threonine at codon 217 of the BRAT1 protein (p.Ala217Thr). The alanine residue is highly conserved and there is a small physicochemical difference between alanine and threonine. This variant is present in population databases (rs377386985, ExAC 0.005%). This variant has not been reported in the literature in individuals affected with BRAT1-related conditions. Algorithms developed to predict the effect of missense changes on protein structure and function are either unavailable or do not agree on the potential impact of this missense change (SIFT: "Tolerated"; PolyPhen-2: "Probably Damaging"; Align-GVGD: "Class C0"). In summary, the available evidence is currently insufficient to determine the role of this variant in disease. Therefore, it has been classified as a Variant of Uncertain Significance.

NM_152743.4(BRAT1):c.649G>A (p.Ala217Thr)

Gene: BRAT1 (BRCA1 associated ATM activator 1; minus strand). Cytogenetic location: 7p22.3.
Variant type: single nucleotide variant.
Coding change: c.649G>A on transcript NM_152743.4 (MANE Select); coding-DNA position 649, G replaced by A.
Protein change: p.Ala217Thr; replaces alanine 217 with threonine.
Molecular consequence: missense variant. On other transcripts: non-coding transcript variant (1).
Genome position (GRCh38, 1-based): chr7:2,543,744, C>T on the plus strand (G>A on the coding strand, the complement: BRAT1 is on the minus strand). VCF-style: chr7-2543744-C-T. GRCh37 (hg19) VCF-style: chr7-2583378-C-T.
Other names: c.649G>A (NM_152743.3); c.649G>A, p.Ala217Thr (NM_001350626.2); c.124G>A, p.Ala42Thr (NM_001350627.2); short protein forms A217T, A42T.
Identifiers: ClinVar variation 1427060 (VCV001427060.6), dbSNP rs377386985, ClinGen allele CA4128137.